The following is an entry in ClinVar:

NM_001374736.1(DST):c.17784G>A (p.Ala5928=)

Gene: DST (dystonin; minus strand). Cytogenetic location: 6p12.1.
Variant type: single nucleotide variant.
Coding change: c.17784G>A on transcript NM_001374736.1 (MANE Select); coding-DNA position 17784, G replaced by A.
Protein change: p.Ala5928=; no amino-acid change (alanine 5928 retained).
Molecular consequence: synonymous variant.
Genome position (GRCh38, 1-based): chr6:56,527,631, C>T on the plus strand (G>A on the coding strand, the complement: DST is on the minus strand). VCF-style: chr6-56527631-C-T. GRCh37 (hg19) VCF-style: chr6-56392429-C-T.
Other names: c.11427G>A, p.Ala3809= (NM_001144769.5); c.11013G>A, p.Ala3671= (NM_001144770.2); c.17784G>A, p.Ala5928= (NM_001374722.1); c.16824G>A, p.Ala5608= (NM_001374729.1); c.10566G>A, p.Ala3522= (NM_001374730.1); c.17811G>A, p.Ala5937= (NM_001374734.1); c.10893G>A, p.Ala3631= (NM_001386100.1, NM_183380.4); c.9915G>A, p.Ala3305= (NM_015548.5).
Identifiers: ClinVar variation 1087495 (VCV001087495.17), dbSNP rs760938132, ClinGen allele CA3867365.

ClinVar aggregate classification (germline): Likely benign. Review status: criteria provided, multiple submitters, no conflicts (2 of 4 stars). 2 submissions from 2 submitters: Likely benign (2). Last evaluated 2025-08-01.

Conditions:
Hereditary sensory and autonomic neuropathy type 6. Also called: Neuropathy, hereditary sensory and autonomic, type VI; HSAN VI. Identifiers: Orphanet 314381, MedGen C3539003, MONDO:0013839, OMIM 614653.
Epidermolysis bullosa simplex 3, localized or generalized intermediate, with BP230 deficiency (EBS3). Also called: Epidermolysis bullosa simplex due to BP230 deficiency; Epidermolysis bullosa simplex, autosomal recessive 2. Identifiers: Orphanet 412181, MedGen C3809470, MONDO:0014180, OMIM 615425.

Allele frequency attached by ClinVar (database versions not stated): gnomAD 0.00004 and 0.00005; TOPMed 0.00007; gnomAD exomes 0.00009 and 0.00012; ExAC 0.00010.
gnomAD v4.1: 140 of 1,613,634 alleles (0.0087%); highest among the groups gnomAD compares: South Asian, 0.057%; no homozygotes.

Submissions (2):

CeGaT Center for Human Genetics Tuebingen
Classification: Likely benign. Last evaluated: 2025-08-01. Review status: criteria provided, single submitter. Criteria: CeGaT Center For Human Genetics Tuebingen Variant Classification Criteria Version 2. Collection method: clinical testing. Allele origin: germline. Affected: yes. Observed: 1 variant allele.
Comment: DST: BP4, BP7

Labcorp Genetics (formerly Invitae), Labcorp
Classification: Likely benign for Epidermolysis bullosa simplex 3, localized or generalized intermediate, with BP230 deficiency; Hereditary sensory and autonomic neuropathy type 6. Last evaluated: 2025-02-16. Review status: criteria provided, single submitter. Criteria: Invitae Variant Classification Sherloc (09022015). Collection method: clinical testing. Allele origin: germline.